The following continues an entry in ClinVar:

NM_007194.4(CHEK2):c.409C>T (p.Arg137Ter)

Gene: CHEK2. ClinVar aggregate classification (germline): Pathogenic/Likely pathogenic. Pathogenic (18); Likely pathogenic (1).

Submissions 13 to 23 of 23:

Myriad Genetics, Inc.
Classification: Pathogenic for Familial cancer of breast. Last evaluated: 2023-06-23. Review status: criteria provided, single submitter. Criteria: Myriad Autosomal Dominant, Autosomal Recessive and X-Linked Classification Criteria (2023). Collection method: clinical testing. Allele origin: unknown.
Comment: This variant is considered pathogenic. This variant creates a termination codon and is predicted to result in premature protein truncation.

Dasa
Classification: Pathogenic for CHEK2-related cancer predisposition. Last evaluated: 2022-04-10. Review status: criteria provided, single submitter. Criteria: ACMG Guidelines, 2015. Collection method: clinical testing. Allele origin: germline. Affected: yes. Observed: 1 variant allele.
Comment: The c.409C>T;p.(Arg137*) variant creates a premature translational stop signal in the CHEK2 gene. It is expected to result in an absent or disrupted protein product -PVS1. This sequence change has been observed in affected individual(s) and ClinVar contains an entry for this variant (ClinVar ID: 182452; PMID: 33558524; 29356917) - PS4. The variant is present at low allele frequencies population databases (rs730881701 – gnomAD 0.0001315%; ABraOM 0.000427 frequency) - PM2_supporting. In summary, the currently available evidence indicates that the variant is pathogenic.

Women's Health and Genetics/Laboratory Corporation of America, LabCorp
Classification: Pathogenic for Hereditary breast ovarian cancer syndrome. Last evaluated: 2021-05-27. Review status: criteria provided, single submitter. Criteria: LabCorp Variant Classification Summary - May 2015. Collection method: clinical testing. Allele origin: germline.
Comment: Variant summary: CHEK2 c.409C>T (p.Arg137X) results in a premature termination codon, predicted to cause a truncation of the encoded protein or absence of the protein due to nonsense mediated decay, which are commonly known mechanisms for disease. Truncations downstream of this position have been classified as pathogenic by our laboratory. The variant allele was found at a frequency of 2.4e-05 in 251304 control chromosomes (gnomAD). c.409C>T has been reported in the literature in multiple individuals affected with breast cancer and/or ovarian cancer (Leedom_2016, Sun_2017, Moradian_2021). These data indicate that the variant is very likely to be associated with disease. To our knowledge, no experimental evidence demonstrating an impact on protein function has been reported. Nine ClinVar submitters (evaluation after 2014) cite the variant as pathogenic. Based on the evidence outlined above, the variant was classified as pathogenic.

Clinical Genetics and Genomics, Karolinska University Hospital
Classification: Pathogenic. Last evaluated: 2019-10-09. Review status: criteria provided, single submitter. Criteria: ACMG Guidelines, 2015. Collection method: clinical testing. Allele origin: germline. Affected: yes. Observed: 1 variant allele.

Fulgent Genetics
Classification: Pathogenic for Familial cancer of breast; Familial prostate cancer; Bone osteosarcoma; CHEK2-related cancer predisposition. Last evaluated: 2018-10-31. Review status: criteria provided, single submitter. Criteria: ACMG Guidelines, 2015. Collection method: clinical testing. Allele origin: unknown.

Genomic Medicine Lab, University of California San Francisco
Classification: Pathogenic for Congenital heart defects, multiple types, 3. Last evaluated: 2017-12-21. Review status: criteria provided, single submitter. Criteria: ACMG Guidelines, 2015. Collection method: clinical testing. Allele origin: maternal. Inheritance: Autosomal dominant inheritance. Affected: yes. Study: CSER.

Juno Genomics, Hangzhou Juno Genomics, Inc
Classification: Pathogenic for Bone osteosarcoma; Familial prostate cancer; CHEK2-related cancer predisposition. Review status: criteria provided, single submitter. Criteria: ACMG Guidelines, 2015. Collection method: clinical testing. Allele origin: germline.
Comment: Absent from controls (or at extremely low frequency if recessive) in Genome Aggregation Database.;Null variant in a gene where loss of function (LOF) is a known mechanism of disease.;The prevalence of the variant in affected individuals is significantly increased compared to the prevalence in controls.

Laboratory for Genotyping Development, RIKEN
Classification: Pathogenic for Gastric cancer. Last evaluated: 2021-07-01. Review status: no assertion criteria provided. Collection method: research. Allele origin: germline. Not counted in ClinVar's aggregate classification.

Center of Medical Genetics and Primary Health Care
Classification: Pathogenic for Familial cancer of breast. Last evaluated: 2020-04-08. Review status: no assertion criteria provided. Collection method: research. Allele origin: germline. Affected: yes. Observed: 1 heterozygote. Not counted in ClinVar's aggregate classification.
Comment: ACMG Guidelines 2015 criteria The CHEK2 variant p.Arg137Ter is in exon 3, in a kinase domain and in a mutation hotspot of 17 pathogenic variants (PM1 Pathogenic Moderate). This nonsense variant truncates the protein and thus makes it non-functional which is an established disease mechanism in disease (PVS1 Pathogenic Very Strong). The allele frequency in GnomAD exomes is 0.0000239 which is less the threshold 0.0001 for recessive gene CHEK2, and this variant is not found in GnomAD genomes (PM2 Pathogenic Moderate). 4 pathogenic predictions from DANN, EIGEN, FATHMM-MKL and MutationTaster versus no benign predictions support its deleterious effect (PP3 Pathogenic Supporting). Based on the evidence above we classified this variant as a Pathogenic.

Genome Diagnostics Laboratory, Amsterdam University Medical Center
Classification: Pathogenic. Review status: no assertion criteria provided. Collection method: clinical testing. Allele origin: germline. Affected: yes. Study: VKGL Data-share Consensus. Not counted in ClinVar's aggregate classification.

Joint Genome Diagnostic Labs from Nijmegen and Maastricht, Radboudumc and MUMC+
Classification: Pathogenic. Review status: no assertion criteria provided. Collection method: clinical testing. Allele origin: germline. Affected: yes. Study: VKGL Data-share Consensus. Not counted in ClinVar's aggregate classification.

Literature cited by the submitters: PubMed 21876083 (cited by Labcorp Genetics (formerly Invitae), Labcorp); PubMed 24713400 (cited by Labcorp Genetics (formerly Invitae), Labcorp); PubMed 28724667 (cited by 4 submitters); PubMed 30303537 (cited by Ambry Genetics); PubMed 32658311 (cited by Ambry Genetics and Quest Diagnostics Nichols Institute San Juan Capistrano); PubMed 33558524 (cited by 4 submitters); PubMed 34299313 (cited by 3 submitters); PubMed 27751358 (cited by Quest Diagnostics Nichols Institute San Juan Capistrano and Women's Health and Genetics/Laboratory Corporation of America, LabCorp); PubMed 28779002 (cited by Quest Diagnostics Nichols Institute San Juan Capistrano and Color Diagnostics, LLC DBA Color Health); PubMed 30287823 (cited by Quest Diagnostics Nichols Institute San Juan Capistrano and Color Diagnostics, LLC DBA Color Health); PubMed 29356917 (cited by 3 submitters); PubMed 29922827 (cited by Quest Diagnostics Nichols Institute San Juan Capistrano and Color Diagnostics, LLC DBA Color Health); PubMed 26580448 (cited by Women's Health and Genetics/Laboratory Corporation of America, LabCorp); PubMed 36988593 (cited by Laboratory for Genotyping Development, RIKEN).